The following is an entry in ClinVar:

ClinVar aggregate classification (germline): Uncertain significance. Review status: criteria provided, multiple submitters, no conflicts (2 of 4 stars). 2 submissions from 2 submitters: Uncertain significance (2). Last evaluated 2025-06-06.

Conditions:
Inborn genetic diseases. Identifiers: MedGen C0950123, MeSH D030342.

Submissions (2):

Ambry Genetics
Classification: Uncertain significance for Inborn genetic diseases. Last evaluated: 2025-06-06. Review status: criteria provided, single submitter. Criteria: Ambry Variant Classification Scheme 2023. Collection method: clinical testing. Allele origin: germline.

Labcorp Genetics (formerly Invitae), Labcorp
Classification: Uncertain significance. Last evaluated: 2025-04-04. Review status: criteria provided, single submitter. Criteria: Invitae Variant Classification Sherloc (09022015). Collection method: clinical testing. Allele origin: germline.
Comment: This sequence change replaces alanine, which is neutral and non-polar, with valine, which is neutral and non-polar, at codon 299 of the EARS2 protein (p.Ala299Val). This variant is not present in population databases (gnomAD no frequency). This variant has not been reported in the literature in individuals affected with EARS2-related conditions. Invitae Evidence Modeling of protein sequence and biophysical properties (such as structural, functional, and spatial information, amino acid conservation, physicochemical variation, residue mobility, and thermodynamic stability) has been performed for this missense variant. However, the output from this modeling did not meet the statistical confidence thresholds required to predict the impact of this variant on EARS2 protein function. In summary, the available evidence is currently insufficient to determine the role of this variant in disease. Therefore, it has been classified as a Variant of Uncertain Significance.

NM_001083614.2(EARS2):c.896C>T (p.Ala299Val)

Gene: EARS2 (glutamyl-tRNA synthetase 2, mitochondrial; minus strand). Cytogenetic location: 16p12.2.
Variant type: single nucleotide variant.
Coding change: c.896C>T on transcript NM_001083614.2 (MANE Select); coding-DNA position 896, C replaced by T.
Protein change: p.Ala299Val; replaces alanine 299 with valine.
Molecular consequence: missense variant. On other transcripts: non-coding transcript variant (1).
Genome position (GRCh38, 1-based): chr16:23,534,950, G>A on the plus strand (C>T on the coding strand, the complement: EARS2 is on the minus strand). VCF-style: chr16-23534950-G-A. GRCh37 (hg19) VCF-style: chr16-23546271-G-A.
Other names: c.896C>T, p.Ala299Val (NM_001308211.1); short protein forms A299V.
Identifiers: ClinVar variation 4015898 (VCV004015898.2).